The following is an entry in ClinVar:

ClinVar aggregate classification (germline): Pathogenic/Likely pathogenic. Review status: criteria provided, multiple submitters, no conflicts (2 of 4 stars). 6 submissions from 6 submitters: Pathogenic (3); Likely pathogenic (2). 1 of the submissions does not count toward it. Last evaluated 2024-10-17.

Conditions:
PMM2-congenital disorder of glycosylation. Also called: CDG Ia; JAEKEN SYNDROME; PHOSPHOMANNOMUTASE 2 DEFICIENCY; CARBOHYDRATE-DEFICIENT GLYCOPROTEIN SYNDROME, TYPE Ia; PMM2-CDG; Congenital disorder of glycosylation, type Ia. Identifiers: Orphanet 79318, MedGen C0349653, MONDO:0008907, OMIM 212065.

Allele frequency attached by ClinVar (database versions not stated): TOPMed 0.00001.

Submissions (6):

Natera, Inc.
Classification: Likely pathogenic for Congenital disorder of glycosylation type 1a. Last evaluated: 2024-10-17. Review status: criteria provided, single submitter. Criteria: Natera Variant Classification Schema (03/2026). Collection method: clinical testing. Allele origin: germline.
Comment: The c.44G>C variant in PMM2 is a missense variant predicted to cause substitution of glycine to alanine at amino acid 15. This variant is rare in the general population with a frequency below the threshold expected for the associated phenotype(s). This variant has been observed in one or more individuals affected with the associated recessive disease, as either homozygous or compound heterozygous with a second variant (PMID: 30577886, 38959600, 37597336). A different variant at the same position has been determined to be Pathogenic or Likely Pathogenic. Computational prediction algorithms indicate this variant is likely to affect gene or protein function. Given the available evidence, this variant is classified as Likely Pathogenic.

Women's Health and Genetics/Laboratory Corporation of America, LabCorp
Classification: Pathogenic for PMM2-congenital disorder of glycosylation. Last evaluated: 2024-08-30. Review status: criteria provided, single submitter. Criteria: LabCorp Variant Classification Summary - May 2015. Collection method: clinical testing. Allele origin: germline.
Comment: Variant summary: PMM2 c.44G>C (p.Gly15Ala) results in a non-conservative amino acid change in the encoded protein sequence. Five of five in-silico tools predict a damaging effect of the variant on protein function. The frequency data for this variant in gnomAD is considered unreliable, as metrics indicate poor data quality at this position. c.44G>C has been reported in the literature in individuals affected with Congenital Disorder Of Glycosylation Type 1a (example:Baker_2019, Starosta_2021, Stranneheim_2021) . These data indicate that the variant is likely to be associated with disease. A different variant affecting the same codon has been classified as pathogenic by our lab (c.43G>A, p.Gly15Arg), supporting the critical relevance of codon 15 to PMM2 protein function. The following publications have been ascertained in the context of this evaluation (PMID: 33413482, 30577886, 33726816). ClinVar contains an entry for this variant (Variation ID: 553249). Based on the evidence outlined above, the variant was classified as pathogenic.

Labcorp Genetics (formerly Invitae), Labcorp
Classification: Pathogenic for PMM2-congenital disorder of glycosylation. Last evaluated: 2024-05-30. Review status: criteria provided, single submitter. Criteria: Invitae Variant Classification Sherloc (09022015). Collection method: clinical testing. Allele origin: germline.
Comment: This sequence change replaces glycine, which is neutral and non-polar, with alanine, which is neutral and non-polar, at codon 15 of the PMM2 protein (p.Gly15Ala). This variant is not present in population databases (gnomAD no frequency). This missense change has been observed in individual(s) with clinical features of PMM2-congenital disorder of glycosylation (PMID: 33413482; Invitae). In at least one individual the data is consistent with being in trans (on the opposite chromosome) from a pathogenic variant. ClinVar contains an entry for this variant (Variation ID: 553249). Advanced modeling of protein sequence and biophysical properties (such as structural, functional, and spatial information, amino acid conservation, physicochemical variation, residue mobility, and thermodynamic stability) performed at Invitae indicates that this missense variant is expected to disrupt PMM2 protein function with a positive predictive value of 95%. This variant disrupts the p.Gly15 amino acid residue in PMM2. Other variant(s) that disrupt this residue have been observed in individuals with PMM2-related conditions (PMID: 12626389, 28454995; Invitae), which suggests that this may be a clinically significant amino acid residue. For these reasons, this variant has been classified as Pathogenic.

Baylor Genetics
Classification: Likely pathogenic for PMM2-congenital disorder of glycosylation. Last evaluated: 2024-02-12. Review status: criteria provided, single submitter. Criteria: ACMG Guidelines, 2015. Collection method: clinical testing. Allele origin: unknown.

Centre for Inherited Metabolic Diseases, Karolinska University Hospital
Classification: Pathogenic for PMM2-congenital disorder of glycosylation. Last evaluated: 2020-04-02. Review status: criteria provided, single submitter. Criteria: ACMG Guidelines, 2015. Collection method: clinical testing. Allele origin: germline. Inheritance: Autosomal recessive inheritance. Affected: yes. Observed: 1 homozygote.

Counsyl
Classification: Uncertain significance for PMM2-congenital disorder of glycosylation. Last evaluated: 2017-08-08. Review status: no assertion criteria provided. Collection method: clinical testing. Allele origin: unknown. Not counted in ClinVar's aggregate classification.

Literature cited by the submitters: PubMed 30577886 (cited by Natera, Inc. and Women's Health and Genetics/Laboratory Corporation of America, LabCorp); PubMed 38959600 (cited by Natera, Inc.); PubMed 37597336 (cited by Natera, Inc.); PubMed 33413482 (cited by Women's Health and Genetics/Laboratory Corporation of America, LabCorp and Labcorp Genetics (formerly Invitae), Labcorp); PubMed 33726816 (cited by Women's Health and Genetics/Laboratory Corporation of America, LabCorp); PubMed 12626389 (cited by Labcorp Genetics (formerly Invitae), Labcorp); PubMed 28454995 (cited by Labcorp Genetics (formerly Invitae), Labcorp); PubMed 19862844 (cited by Counsyl).

NM_000303.3(PMM2):c.44G>C (p.Gly15Ala)

Gene: PMM2 (phosphomannomutase 2; plus strand). Cytogenetic location: 16p13.2.
Variant type: single nucleotide variant.
Coding change: c.44G>C on transcript NM_000303.3 (MANE Select); coding-DNA position 44, G replaced by C.
Protein change: p.Gly15Ala; replaces glycine 15 with alanine.
Molecular consequence: missense variant.
Genome position (GRCh38, 1-based): chr16:8,797,926, G>C. VCF-style: chr16-8797926-G-C. GRCh37 (hg19) VCF-style: chr16-8891783-G-C.
Other names: short protein forms G15A.
Identifiers: ClinVar variation 553249 (VCV000553249.18), dbSNP rs958073558, ClinGen allele CA277481387.